The following is an entry in ClinVar:

NM_003001.5(SDHC):c.138A>G (p.Ile46Met)

Gene: SDHC (succinate dehydrogenase complex subunit C; plus strand). Cytogenetic location: 1q23.3.
Variant type: single nucleotide variant.
Coding change: c.138A>G on transcript NM_003001.5 (MANE Select); coding-DNA position 138, A replaced by G.
Protein change: p.Ile46Met; replaces isoleucine 46 with methionine.
Molecular consequence: missense variant. On other transcripts: non-coding transcript variant (1), intron variant (4).
Genome position (GRCh38, 1-based): chr1:161,328,456, A>G. VCF-style: chr1-161328456-A-G. GRCh37 (hg19) VCF-style: chr1-161298246-A-G.
Other names: c.138A>G, p.Ile46Met (NM_001035511.3, NM_001407115.1); c.81A>G, p.Ile27Met (NM_001407116.1, NM_001407117.1, NM_001407121.1); c.27A>G, p.Ile9Met (NM_001407119.1, NM_001407120.1); c.77+4786A>G (NM_001035512.3, NM_001278172.3, NM_001407118.1); c.21-12138A>G (NM_001035513.3); short protein forms I46M, I27M, I9M.
Identifiers: ClinVar variation 3316905 (VCV003316905.1).

ClinVar aggregate classification (germline): Uncertain significance (1 of 4 stars; one submission).

Conditions:
Hereditary cancer-predisposing syndrome. Also called: Neoplastic Syndromes, Hereditary; Tumor predisposition; Hereditary neoplastic syndrome; Hereditary Cancer Syndrome. Identifiers: Orphanet 140162, MedGen C0027672, MeSH D009386, MONDO:0015356.

Submission:

Ambry Genetics
Classification: Uncertain significance for Hereditary cancer-predisposing syndrome. Last evaluated: 2024-06-14. Review status: criteria provided, single submitter. Criteria: Ambry Variant Classification Scheme 2023. Collection method: clinical testing. Allele origin: germline.
Comment: The p.I46M variant (also known as c.138A>G), located in coding exon 3 of the SDHC gene, results from an A to G substitution at nucleotide position 138. The isoleucine at codon 46 is replaced by methionine, an amino acid with highly similar properties. This amino acid position is poorly conserved in available vertebrate species. In addition, this alteration is predicted to be tolerated by in silico analysis. Based on the available evidence, the clinical significance of this variant remains unclear.